The following is an entry in ClinVar:

NM_004360.5(CDH1):c.2551T>C (p.Ser851Pro)

Gene: CDH1 (cadherin 1; plus strand). Cytogenetic location: 16q22.1.
Variant type: single nucleotide variant.
Coding change: c.2551T>C on transcript NM_004360.5 (MANE Select); coding-DNA position 2551, T replaced by C.
Protein change: p.Ser851Pro; replaces serine 851 with proline.
Molecular consequence: missense variant.
Genome position (GRCh38, 1-based): chr16:68,833,401, T>C. VCF-style: chr16-68833401-T-C. GRCh37 (hg19) VCF-style: chr16-68867304-T-C.
Other names: c.2368T>C, p.Ser790Pro (NM_001317184.2); c.1003T>C, p.Ser335Pro (NM_001317185.2); c.586T>C, p.Ser196Pro (NM_001317186.2); short protein forms S196P, S790P, S851P, S335P.
Identifiers: ClinVar variation 1515530 (VCV001515530.9), dbSNP rs2152144059, ClinGen allele CA396472403.

ClinVar aggregate classification (germline): Uncertain significance. Review status: criteria provided, multiple submitters, no conflicts (2 of 4 stars). 2 submissions from 2 submitters: Uncertain significance (2). Last evaluated 2023-12-11.

Conditions:
Hereditary diffuse gastric adenocarcinoma (HDGC). Also called: DIFFUSE GASTRIC AND LOBULAR BREAST CANCER SYNDROME. Identifiers: Orphanet 26106, MedGen C1708349, MONDO:0007648, OMIM 137215.
Hereditary cancer-predisposing syndrome. Also called: Neoplastic Syndromes, Hereditary; Hereditary Cancer Syndrome; Tumor predisposition; Hereditary neoplastic syndrome. Identifiers: Orphanet 140162, MedGen C0027672, MeSH D009386, MONDO:0015356.

Submissions (2):

Labcorp Genetics (formerly Invitae), Labcorp
Classification: Uncertain significance for Hereditary diffuse gastric adenocarcinoma. Last evaluated: 2023-12-11. Review status: criteria provided, single submitter. Criteria: Invitae Variant Classification Sherloc (09022015). Collection method: clinical testing. Allele origin: germline.
Comment: This sequence change replaces serine, which is neutral and polar, with proline, which is neutral and non-polar, at codon 851 of the CDH1 protein (p.Ser851Pro). This variant is not present in population databases (gnomAD no frequency). This variant has not been reported in the literature in individuals affected with CDH1-related conditions. ClinVar contains an entry for this variant (Variation ID: 1515530). An algorithm developed to predict the effect of missense changes on protein structure and function (PolyPhen-2) suggests that this variant is likely to be disruptive. In summary, the available evidence is currently insufficient to determine the role of this variant in disease. Therefore, it has been classified as a Variant of Uncertain Significance.

Sema4
Classification: Uncertain significance for Hereditary cancer-predisposing syndrome. Last evaluated: 2021-11-06. Review status: criteria provided, single submitter. Criteria: Sema4 Curation Guidelines. Collection method: curation. Allele origin: germline.
Comment: The CDH1 c.2551T>C (p.S851P) variant has not been reported in the literature to our knowledge. It was not observed in the large and broad cohorts of the Genome Aggregation Database (PMID: 32461654), and has not been reported in ClinVar. Functional studies have not been performed, and in silico predictions of the variant's effect on protein function are inconclusive. The evidence is insufficient to meet ACMG/AMP criteria for classifying the variant as benign or pathogenic. Thus, the clinical significance of this variant is currently uncertain.